The following is an entry in ClinVar:

NM_001429.4(EP300):c.2507C>T (p.Pro836Leu)

Gene: EP300 (EP300 lysine acetyltransferase; plus strand). Cytogenetic location: 22q13.2.
Variant type: single nucleotide variant.
Coding change: c.2507C>T on transcript NM_001429.4 (MANE Select); coding-DNA position 2507, C replaced by T.
Protein change: p.Pro836Leu; replaces proline 836 with leucine.
Molecular consequence: missense variant.
Genome position (GRCh38, 1-based): chr22:41,149,888, C>T. VCF-style: chr22-41149888-C-T. GRCh37 (hg19) VCF-style: chr22-41545892-C-T.
Other names: c.2429C>T, p.Pro810Leu (NM_001362843.2); short protein forms P810L, P836L.
Identifiers: ClinVar variation 2897973 (VCV002897973.3), dbSNP rs1192330545, ClinGen allele CA411691437.
Genomic context (GRCh38, chr22:41,149,888, plus strand): 5'-ACATTCACTGTCCCCAGCTTCCTCAACCAGCTCTTCATCAGAATTCACCCTCGCCTGTAC[C>T]TAGTCGTACCCCCACCCCTCACCATACTCCCCCAAGCATAGGGGCTCAGCAGCCACCAGC-3'
Protein context (NP_001420.2, residues 826-846): ALHQNSPSPV[Pro836Leu]SRTPTPHHTP

ClinVar aggregate classification (germline): Uncertain significance (1 of 4 stars; one submission).

Conditions:
Rubinstein-Taybi syndrome due to EP300 haploinsufficiency. Also called: RUBINSTEIN-TAYBI SYNDROME 2; EP300-Related Rubinstein-Taybi Syndrome. Identifiers: Orphanet 353284, Orphanet 783, MedGen C3150941, MONDO:0013364, OMIM 613684.

gnomAD v4.1: 3 of 1,614,044 alleles (0.00019%); highest among the groups gnomAD compares: Non-Finnish European, 0.00025%; no homozygotes.

Submission:

Labcorp Genetics (formerly Invitae), Labcorp
Classification: Uncertain significance for Rubinstein-Taybi syndrome due to EP300 haploinsufficiency. Last evaluated: 2025-09-02. Review status: criteria provided, single submitter. Criteria: Invitae Variant Classification Sherloc (09022015). Collection method: clinical testing. Allele origin: germline.
Comment: This sequence change replaces proline, which is neutral and non-polar, with leucine, which is neutral and non-polar, at codon 836 of the EP300 protein (p.Pro836Leu). This variant is present in population databases (no rsID available, gnomAD 0.0009%). This variant has not been reported in the literature in individuals affected with EP300-related conditions. ClinVar contains an entry for this variant (Variation ID: 2897973). Invitae Evidence Modeling of protein sequence and biophysical properties (such as structural, functional, and spatial information, amino acid conservation, physicochemical variation, residue mobility, and thermodynamic stability) indicates that this missense variant is not expected to disrupt EP300 protein function with a negative predictive value of 80%. In summary, the available evidence is currently insufficient to determine the role of this variant in disease. Therefore, it has been classified as a Variant of Uncertain Significance.